The following is an entry in ClinVar:

NM_005187.6(CBFA2T3):c.977G>A (p.Arg326His)

Genes: CBFA2T3 (CBFA2/RUNX1 partner transcriptional co-repressor 3; minus strand), LOC101927793 (uncharacterized LOC101927793; plus strand). Cytogenetic location: 16q24.3.
Variant type: single nucleotide variant.
Coding change: c.977G>A on transcript NM_005187.6 (MANE Select); coding-DNA position 977, G replaced by A.
Protein change: p.Arg326His; replaces arginine 326 with histidine.
Molecular consequence: missense variant.
Genome position (GRCh38, 1-based): chr16:88,885,186, C>T on the plus strand (G>A on the coding strand, the complement: CBFA2T3 is on the minus strand). VCF-style: chr16-88885186-C-T. GRCh37 (hg19) VCF-style: chr16-88951594-C-T.
Other names: c.719G>A, p.Arg240His (NM_175931.3); short protein forms R240H, R326H.
Identifiers: ClinVar variation 2647016 (VCV002647016.24), dbSNP rs61757659, ClinGen allele CA8236712.

ClinVar aggregate classification (germline): Likely benign (1 of 4 stars; one submission).

Allele frequency attached by ClinVar (database versions not stated): 1000 Genomes Project 0.00280; 1000 Genomes Project 30x 0.00281; ESP Exome Variant Server 0.00332.
gnomAD v4.1: 6,390 of 1,603,554 alleles (0.4%); highest among the groups gnomAD compares: Middle Eastern, 1.5%; 29 homozygotes.

Submission:

CeGaT Center for Human Genetics Tuebingen
Classification: Likely benign. Last evaluated: 2023-02-01. Review status: criteria provided, single submitter. Criteria: CeGaT Center For Human Genetics Tuebingen Variant Classification Criteria Version 2. Collection method: clinical testing. Allele origin: germline. Affected: yes. Observed: 1 variant allele.
Comment: CBFA2T3: BS2